The following is an entry in ClinVar:

ClinVar aggregate classification (germline): Uncertain significance. Review status: criteria provided, multiple submitters, no conflicts (2 of 4 stars). 2 submissions from 2 submitters: Uncertain significance (2). Last evaluated 2026-01-06.

Conditions:
POLD1-related polyposis and colorectal cancer syndrome (CRCS10). Also called: Colorectal cancer, susceptibility to, 10; Colorectal cancer 10; COLORECTAL CANCER, SUSCEPTIBILITY TO, ON CHROMOSOME 19q. Identifiers: Orphanet 220460, MedGen C2675481, MONDO:0012953, OMIM 612591.
Hereditary cancer-predisposing syndrome. Also called: Neoplastic Syndromes, Hereditary; Tumor predisposition; Hereditary Cancer Syndrome; Hereditary neoplastic syndrome. Identifiers: Orphanet 140162, MedGen C0027672, MeSH D009386, MONDO:0015356.

Submissions (2):

Ambry Genetics
Classification: Uncertain significance for Hereditary cancer-predisposing syndrome. Last evaluated: 2026-01-06. Review status: criteria provided, single submitter. Criteria: Ambry Variant Classification Scheme 2023. Collection method: clinical testing. Allele origin: germline.
Comment: The c.2413_2427del15 variant (also known as p.S805_Y809del) is located in coding exon 19 of the POLD1 gene. This variant results from an in-frame AGCAAGAAGCGCTAC deletion at nucleotide positions 2413 to 2427. This results in the in-frame deletion of SKKRY residues at codons 805 to 809. This amino acid region is highly conserved in available vertebrate species. In addition, this variant is predicted to be deleterious by in silico analysis (Choi Y et al. PLoS ONE. 2012; 7(10):e46688). Based on the available evidence, the clinical significance of this variant remains unclear.

Labcorp Genetics (formerly Invitae), Labcorp
Classification: Uncertain significance for POLD1-related polyposis and colorectal cancer syndrome. Last evaluated: 2024-09-15. Review status: criteria provided, single submitter. Criteria: Invitae Variant Classification Sherloc (09022015). Collection method: clinical testing. Allele origin: germline.
Comment: This variant, c.2413_2427del, results in the deletion of 5 amino acid(s) of the POLD1 protein (p.Ser805_Tyr809del), but otherwise preserves the integrity of the reading frame. This variant is not present in population databases (gnomAD no frequency). This variant has not been reported in the literature in individuals affected with POLD1-related conditions. ClinVar contains an entry for this variant (Variation ID: 2165083). Experimental studies and prediction algorithms are not available or were not evaluated, and the functional significance of this variant is currently unknown. In summary, the available evidence is currently insufficient to determine the role of this variant in disease. Therefore, it has been classified as a Variant of Uncertain Significance.

NM_002691.4(POLD1):c.2413_2427del (p.Ser805_Tyr809del)

Gene: POLD1 (DNA polymerase delta 1, catalytic subunit; plus strand). Cytogenetic location: 19q13.33.
Variant type: Deletion.
Coding change: c.2413_2427del on transcript NM_002691.4 (MANE Select); coding-DNA positions 2413 to 2427, 15 bases deleted (AGCAAGAAGCGCTAC).
Protein change: p.Ser805_Tyr809del.
Molecular consequence: inframe deletion. On other transcripts: non-coding transcript variant (1).
Genome position (GRCh38, 1-based): chr19:50,414,839-50,414,853, AGCAAGAAGCGCTAC deleted; deleting any 15 consecutive bases within chr19:50,414,838-50,414,853 gives the same sequence; the c. name uses the placement nearest the transcript's 3' end. VCF-style (leftmost placement, unchanged base first): chr19-50414837-TCAGCAAGAAGCGCTA-T. GRCh37 (hg19) VCF-style: chr19-50918094-TCAGCAAGAAGCGCTA-T.
Other names: c.2413_2427del, p.Ser805_Tyr809del (NM_001256849.1); c.2491_2505del, p.Ser831_Tyr835del (NM_001308632.1); c.2413_2427del15 (NM_002691.2).
Identifiers: ClinVar variation 2165083 (VCV002165083.5), dbSNP rs2514047082, ClinGen allele CA2580097733.